The following is an entry in ClinVar:

NM_006379.5(SEMA3C):c.1334A>G (p.His445Arg)

Gene: SEMA3C (semaphorin 3C; minus strand). Cytogenetic location: 7q21.11.
Variant type: single nucleotide variant.
Coding change: c.1334A>G on transcript NM_006379.5 (MANE Select); coding-DNA position 1334, A replaced by G.
Protein change: p.His445Arg; replaces histidine 445 with arginine.
Molecular consequence: missense variant.
Genome position (GRCh38, 1-based): chr7:80,789,326, T>C on the plus strand (A>G on the coding strand, the complement: SEMA3C is on the minus strand). VCF-style: chr7-80789326-T-C. GRCh37 (hg19) VCF-style: chr7-80418642-T-C.
Other names: c.1388A>G, p.His463Arg (NM_001350120.2); c.1160A>G, p.His387Arg (NM_001350121.2); short protein forms H387R, H445R, H463R.
Identifiers: ClinVar variation 3348674 (VCV003348674.1).

ClinVar aggregate classification (germline): Uncertain significance (0 of 4 stars; one submission).

Conditions:
SEMA3C-related disorder. Also called: SEMA3C-related condition.

gnomAD v4.1: 4 of 1,613,620 alleles (0.00025%); highest among the groups gnomAD compares: African/African-American, 0.0053%; no homozygotes.

Submission:

PreventionGenetics, part of Exact Sciences
Classification: Uncertain significance for SEMA3C-related condition. Last evaluated: 2024-04-03. Review status: no assertion criteria provided. Collection method: clinical testing. Allele origin: germline.
Comment: The SEMA3C c.1388A>G variant is predicted to result in the amino acid substitution p.His463Arg. To our knowledge, this variant has not been reported in the literature. This variant is reported in 0.0062% of alleles in individuals of African descent in gnomAD. At this time, the clinical significance of this variant is uncertain due to the absence of conclusive functional and genetic evidence.